The following is an entry in ClinVar:

NM_006005.3(WFS1):c.1578C>T (p.Gly526=)

Gene: WFS1 (wolframin ER transmembrane glycoprotein; plus strand). Cytogenetic location: 4p16.1.
Variant type: single nucleotide variant.
Coding change: c.1578C>T on transcript NM_006005.3 (MANE Select); coding-DNA position 1578, C replaced by T.
Protein change: p.Gly526=; no amino-acid change (glycine 526 retained).
Molecular consequence: synonymous variant.
Genome position (GRCh38, 1-based): chr4:6,301,373, C>T. VCF-style: chr4-6301373-C-T. GRCh37 (hg19) VCF-style: chr4-6303100-C-T.
Other names: c.1578C>T, p.Gly526= (NM_001145853.1).
Identifiers: ClinVar variation 2145287 (VCV002145287.6), dbSNP rs369847996, ClinGen allele CA2839407.
Genomic context (GRCh38, chr4:6,301,373, plus strand): 5'-GCTCTATGTCTACCTGCTCTATCTCTTCTTCCGCATGGCACAGCTGAGGAATTTCAAGGG[C>T]ACCTACTGCTACCTTGTGCCCTACCTGGTGTGCTTCATGTGGTGTGAGCTCTCCGTGGTC-3'
Protein context (NP_005996.2, residues 516-536): FRMAQLRNFK[Gly526=]TYCYLVPYLV

ClinVar aggregate classification (germline): Likely benign. Review status: criteria provided, multiple submitters, no conflicts (2 of 4 stars). 3 submissions from 3 submitters: Likely benign (3). Last evaluated 2025-07-28.

Conditions:
WFS1-related disorder. Identifiers: MedGen CN379391, MONDO:0700293.

Allele frequency attached by ClinVar (database versions not stated): ExAC 0.00001; gnomAD exomes 0.00002; gnomAD 0.00004; TOPMed 0.00004; ESP Exome Variant Server 0.00008.

Submissions (3):

PreventionGenetics, part of Exact Sciences
Classification: Likely benign for WFS1-related condition. Last evaluated: 2025-07-28. Review status: criteria provided, single submitter. Criteria: ACMG Guidelines, 2015. Collection method: clinical testing. Allele origin: germline.
Comment: This variant is classified as likely benign based on ACMG/AMP sequence variant interpretation guidelines (Richards et al. 2015 PMID: 25741868, with internal and published modifications).

Women's Health and Genetics/Laboratory Corporation of America, LabCorp
Classification: Likely benign. Last evaluated: 2024-11-13. Review status: criteria provided, single submitter. Criteria: LabCorp Variant Classification Summary - May 2015. Collection method: clinical testing. Allele origin: germline.

Labcorp Genetics (formerly Invitae), Labcorp
Classification: Likely benign. Last evaluated: 2023-11-28. Review status: criteria provided, single submitter. Criteria: Invitae Variant Classification Sherloc (09022015). Collection method: clinical testing. Allele origin: germline.